The following is an entry in ClinVar:

NM_015001.3(SPEN):c.8045T>A (p.Leu2682Ter)

Gene: SPEN (spen family transcriptional repressor; plus strand). Cytogenetic location: 1p36.13.
Variant type: single nucleotide variant.
Coding change: c.8045T>A on transcript NM_015001.3 (MANE Select); coding-DNA position 8045, T replaced by A.
Protein change: p.Leu2682Ter; replaces leucine 2682 with a stop codon.
Molecular consequence: nonsense.
Genome position (GRCh38, 1-based): chr1:15,934,285, T>A. VCF-style: chr1-15934285-T-A. GRCh37 (hg19) VCF-style: chr1-16260780-T-A.
Other names: c.8045T>A (NM_015001.2); short protein forms L2682*.
Identifiers: ClinVar variation 3777107 (VCV003777107.1).

ClinVar aggregate classification (germline): Likely pathogenic (1 of 4 stars; one submission).

Conditions:
Radio-Tartaglia syndrome. Identifiers: Orphanet 662234, MedGen C5543339, MONDO:0859143, OMIM 619312.

Submission:

University of Washington Department of Laboratory Medicine, University of Washington
Classification: Likely pathogenic for Radio-Tartaglia syndrome. Last evaluated: 2022-06-06. Review status: criteria provided, single submitter. Criteria: ACMG Guidelines, 2015. Collection method: clinical testing. Allele origin: unknown. Affected: yes.
Comment: The p.Leu2682* variant in the SPEN gene has not been previously reported in association with disease. This variant was absent from large population databases, including the Genome Aggregation Database. The p.Leu2682* variant leads to a premature termination codon in exon 11 of 15 exons and is predicted to undergo nonsense-mediated decay resulting in a truncated or absent protein. These predictions have not been tested directly. Using ACMG guidelines, this variant was classified as likely pathogenic for autosomal dominant Radio-Tartaglia syndrome (ACMG evidence codes used: PVS1, PM2_supporting).